The following is an entry in ClinVar:

ClinVar aggregate classification (germline): Uncertain significance. Review status: criteria provided, multiple submitters, no conflicts (2 of 4 stars). 6 submissions from 6 submitters: Uncertain significance (5). 1 of the submissions does not count toward it. Last evaluated 2025-07-03.

Conditions:
BRIP1-related disorder. Also called: BRIP1-related condition; BRIP1-related disorders. Identifiers: MedGen CN239206.
Hereditary cancer-predisposing syndrome. Also called: Neoplastic Syndromes, Hereditary; Hereditary neoplastic syndrome; Tumor predisposition; Hereditary Cancer Syndrome. Identifiers: Orphanet 140162, MedGen C0027672, MeSH D009386, MONDO:0015356.
Familial cancer of breast. Also called: BREAST CANCER, FAMILIAL; hereditary breast carcinoma; Hereditary breast cancer. Identifiers: Orphanet 227535, MedGen C0346153, MONDO:0016419, OMIM 114480. Disease mechanism: loss of function.
Fanconi anemia complementation group J. Also called: BRIP1-Related Fanconi Anemia. Identifiers: Orphanet 84, MedGen C1836860, MONDO:0012187, OMIM 609054.

Submissions (6):

Labcorp Genetics (formerly Invitae), Labcorp
Classification: Uncertain significance for Familial cancer of breast; Fanconi anemia complementation group J. Last evaluated: 2025-07-03. Review status: criteria provided, single submitter. Criteria: Invitae Variant Classification Sherloc (09022015). Collection method: clinical testing. Allele origin: germline.
Comment: This sequence change replaces isoleucine, which is neutral and non-polar, with threonine, which is neutral and polar, at codon 1130 of the BRIP1 protein (p.Ile1130Thr). This variant is not present in population databases (gnomAD no frequency). This variant has not been reported in the literature in individuals affected with BRIP1-related conditions. ClinVar contains an entry for this variant (Variation ID: 386141). Invitae Evidence Modeling of protein sequence and biophysical properties (such as structural, functional, and spatial information, amino acid conservation, physicochemical variation, residue mobility, and thermodynamic stability) indicates that this missense variant is not expected to disrupt BRIP1 protein function with a negative predictive value of 95%. In summary, the available evidence is currently insufficient to determine the role of this variant in disease. Therefore, it has been classified as a Variant of Uncertain Significance.

St. Jude Molecular Pathology, St. Jude Children's Research Hospital
Classification: Uncertain significance for Familial cancer of breast. Last evaluated: 2023-10-19. Review status: criteria provided, single submitter. Criteria: St. Jude Assertion Criteria 2020. Collection method: clinical testing. Allele origin: germline.
Comment: The BRIP1 c.3389T>C (p.Ile1130Thr) missense change is absent in gnomAD v2.1.1. The in silico tool REVEL is inconclusive about a pathogenic or benign effect of this variant on protein function, and to our knowledge functional studies have not been performed. To our knowledge, this variant has not been reported in the literature in individuals with hereditary breast and ovarian cancer or Fanconi anemia. It is also absent in a database of women older than 70 years of age who have never had cancer (FLOSSIES database). In summary, the evidence currently available is insufficient to determine the clinical significance of this variant. It has therefore been classified as of uncertain significance.

Color Diagnostics, LLC DBA Color Health
Classification: Uncertain significance for Hereditary cancer-predisposing syndrome. Last evaluated: 2023-08-29. Review status: criteria provided, single submitter. Criteria: ACMG Guidelines, 2015. Collection method: clinical testing. Allele origin: germline.
Comment: This missense variant replaces isoleucine with threonine at codon 1130 of the BRIP1 protein. Computational prediction suggests that this variant may not impact protein structure and function (internally defined REVEL score threshold <= 0.5, PMID: 27666373). To our knowledge, functional studies have not been reported for this variant. This variant has not been reported in individuals affected with BRIP1-related disorders in the literature. This variant has not been identified in the general population by the Genome Aggregation Database (gnomAD). The available evidence is insufficient to determine the role of this variant in disease conclusively. Therefore, this variant is classified as a Variant of Uncertain Significance.

Ambry Genetics
Classification: Uncertain significance for Hereditary cancer-predisposing syndrome. Last evaluated: 2023-02-03. Review status: criteria provided, single submitter. Criteria: Ambry Variant Classification Scheme 2023. Collection method: clinical testing. Allele origin: germline.
Comment: The p.I1130T variant (also known as c.3389T>C), located in coding exon 19 of the BRIP1 gene, results from a T to C substitution at nucleotide position 3389. The isoleucine at codon 1130 is replaced by threonine, an amino acid with similar properties. This amino acid position is conserved. In addition, this alteration is predicted to be tolerated by in silico analysis. Since supporting evidence is limited at this time, the clinical significance of this alteration remains unclear.

GeneDx
Classification: Uncertain significance. Last evaluated: 2016-05-05. Review status: criteria provided, single submitter. Criteria: GeneDx Variant Classification (06012015). Collection method: clinical testing. Allele origin: germline. Affected: yes.
Comment: The I1130T variant in the BRIP1 gene has not been reported previously as a pathogenic variant, nor as a benign variant, to our knowledge. This variant was not observed in approximately 6500 individuals of European and African American ancestry in the NHLBI Exome Sequencing Project, indicating it is not a common benign variant in these populations. The I1130T variant is a non-conservative amino acid substitution, which is likely to impact secondary protein structure as these residues differ in polarity, charge, size and/or other properties. This substitution occurs at a position where amino acids with similar properties to Isoleucine are tolerated across species. In silico analysis is inconsistent in its predictions as to whether or not the variant is damaging to the protein structure/function. We interpret I1130T as a variant of uncertain significance.

PreventionGenetics, part of Exact Sciences
Classification: Uncertain significance for BRIP1-related condition. Last evaluated: 2023-11-07. Review status: no assertion criteria provided. Collection method: clinical testing. Allele origin: germline. Not counted in ClinVar's aggregate classification.
Comment: The BRIP1 c.3389T>C variant is predicted to result in the amino acid substitution p.Ile1130Thr. To our knowledge, this variant has not been reported in the literature or in a large population database, indicating this variant is rare. This variant is interpreted as uncertain significance. At this time, the clinical significance of this variant is uncertain due to the absence of conclusive functional and genetic evidence.

NM_032043.3(BRIP1):c.3389T>C (p.Ile1130Thr)

Gene: BRIP1 (BRCA1 interacting DNA helicase 1; minus strand). Cytogenetic location: 17q23.2.
Variant type: single nucleotide variant.
Coding change: c.3389T>C on transcript NM_032043.3 (MANE Select); coding-DNA position 3389, T replaced by C.
Protein change: p.Ile1130Thr; replaces isoleucine 1130 with threonine.
Molecular consequence: missense variant.
Genome position (GRCh38, 1-based): chr17:61,683,657, A>G on the plus strand (T>C on the coding strand, the complement: BRIP1 is on the minus strand). VCF-style: chr17-61683657-A-G. GRCh37 (hg19) VCF-style: chr17-59761018-A-G.
Other names: short protein forms I1130T.
Identifiers: ClinVar variation 386141 (VCV000386141.19), dbSNP rs1057522432, ClinGen allele CA16607741.